The following is an entry in ClinVar:

NM_006015.6(ARID1A):c.1014_1028del (p.Ala345_Ala349del)

Genes: ARID1A (AT-rich interaction domain 1A; plus strand), LOC129929837 (ATAC-STARR-seq lymphoblastoid silent region 489; plus strand). Cytogenetic location: 1p36.11.
Variant type: Deletion.
Coding change: c.1014_1028del on transcript NM_006015.6 (MANE Select); coding-DNA positions 1014 to 1028, 15 bases deleted (GGCTGCGGCGGCGGC).
Protein change: p.Ala345_Ala349del.
Molecular consequence: inframe deletion. On other transcripts: inframe indel (1).
Genome position (GRCh38, 1-based): chr1:26,697,417-26,697,431, GGCTGCGGCGGCGGC deleted. VCF-style (leftmost placement, unchanged base first): chr1-26697416-GGGCTGCGGCGGCGGC-G. GRCh37 (hg19) VCF-style: chr1-27023907-GGGCTGCGGCGGCGGC-G.
Other names: c.1014_1028del, p.Ala345_Ala349del (NM_139135.4); c.1014_1028del15 (NM_006015.4).
Identifiers: ClinVar variation 3345365 (VCV003345365.1).

ClinVar aggregate classification (germline): Uncertain significance (0 of 4 stars; one submission).

Conditions:
ARID1A-related disorder. Also called: ARID1A-related condition.

Submission:

PreventionGenetics, part of Exact Sciences
Classification: Uncertain significance for ARID1A-related condition. Last evaluated: 2024-07-20. Review status: no assertion criteria provided. Collection method: clinical testing. Allele origin: germline.
Comment: The ARID1A c.1014_1028del15 variant is predicted to result in an in-frame deletion (p.Ala345_Ala349del). To our knowledge, this variant has not been reported in the literature or in a large population database, indicating this variant is rare. At this time, the clinical significance of this variant is uncertain due to the absence of conclusive functional and genetic evidence.